The following is an entry in ClinVar:

NM_139057.4(ADAMTS17):c.1924_1929dup (p.Lys642_Glu643dup)

Gene: ADAMTS17 (ADAM metallopeptidase with thrombospondin type 1 motif 17; minus strand). Cytogenetic location: 15q26.3.
Variant type: Duplication.
Coding change: c.1924_1929dup on transcript NM_139057.4 (MANE Select); coding-DNA positions 1924 to 1929, 6 bases duplicated (AAGGAG; older notation c.1924_1929dupAAGGAG).
Protein change: p.Lys642_Glu643dup.
Molecular consequence: inframe insertion.
Genome position (GRCh38, 1-based): chr15:100,109,076-100,109,081, CTCCTT duplicated on the plus strand (AAGGAG on the coding strand, the reverse complement: ADAMTS17 is on the minus strand); duplicating any 6 consecutive bases within chr15:100,109,076-100,109,082 gives the same sequence; the c. name uses the placement nearest the transcript's 3' end. VCF-style (leftmost placement, unchanged base first): chr15-100109075-A-ACTCCTT. GRCh37 (hg19) VCF-style: chr15-100649280-A-ACTCCTT.
Other names: p.Lys642_Glu643dup; c.1924_1929dup6 (NM_139057.3).
Identifiers: ClinVar variation 1528321 (VCV001528321.11), dbSNP rs533437573, ClinGen allele CA7757977.

ClinVar aggregate classification (germline): Conflicting classifications of pathogenicity. Review status: criteria provided, conflicting classifications (1 of 4 stars). 4 submissions from 4 submitters: Uncertain significance (1); Likely benign (2). 1 of the submissions does not count toward it. Last evaluated 2026-01-27.

Conditions:
Weill-Marchesani 4 syndrome, recessive. Also called: Weill-Marchesani syndrome 4. Identifiers: Orphanet 363992, MedGen C2750787, MONDO:0013176, OMIM 613195.
ADAMTS17-related disorder. Also called: ADAMTS17-related condition.

Submissions (4):

Labcorp Genetics (formerly Invitae), Labcorp
Classification: Likely benign. Last evaluated: 2026-01-27. Review status: criteria provided, single submitter. Criteria: Invitae Variant Classification Sherloc (09022015). Collection method: clinical testing. Allele origin: germline.

Mayo Clinic Laboratories, Mayo Clinic
Classification: Likely benign. Last evaluated: 2025-12-04. Review status: criteria provided, single submitter. Criteria: ACMG Guidelines, 2015. Collection method: clinical testing. Allele origin: germline. Observed: 1 variant allele.
Comment: BS1

Center for Genomics, Ann and Robert H. Lurie Children's Hospital of Chicago
Classification: Uncertain significance for Weill-Marchesani 4 syndrome, recessive. Last evaluated: 2022-10-18. Review status: criteria provided, single submitter. Criteria: ACMG Guidelines, 2015. Collection method: clinical testing. Allele origin: germline.
Comment: This variant has not been reported in the literature but is present in the Genome Aggregation Database (Highest reported MAF: 0.6% [240/41282]), and in ClinVar (Variation ID: 1528321). This variant represents an in-frame insertion of 2 amino acids at position 642 and is not predicted to alter the reading frame. However, the effect of this variant on the protein is unclear. In summary, data on this variant is insufficient for disease classification. Therefore, the clinical significance of this variant is uncertain.

PreventionGenetics, part of Exact Sciences
Classification: Likely benign for ADAMTS17-related condition. Last evaluated: 2024-07-23. Review status: no assertion criteria provided. Collection method: clinical testing. Allele origin: germline. Not counted in ClinVar's aggregate classification.
Comment: This variant is classified as likely benign based on ACMG/AMP sequence variant interpretation guidelines (Richards et al. 2015 PMID: 25741868, with internal and published modifications).